The following is an entry in ClinVar:

ClinVar aggregate classification (germline): Likely benign (1 of 4 stars; one submission).

Conditions:
Breast-ovarian cancer, familial, susceptibility to, 2 (BROVCA2). Also called: BRCA2 Hereditary Breast and Ovarian Cancer. Identifiers: Orphanet 145, MedGen C2675520, MONDO:0012933, OMIM 612555. Disease mechanism: loss of function.

gnomAD v4.1: 1 of 1,611,968 alleles (0.000062%); highest among the groups gnomAD compares: Non-Finnish European, 0.000085%; no homozygotes.

Submission:

Cancer Bioinformatics and Tumour Evolution Laboratory, Monash University
Classification: Likely benign for Breast-ovarian cancer, familial, susceptibility to, 2. Last evaluated: 2026-05-01. Review status: criteria provided, single submitter. Criteria: ClinGen BRCA1 and BRCA2 Guidelines, 2024. Collection method: curation. Allele origin: germline. Inheritance: Autosomal dominant inheritance.
Comment: Missense variant outside of a functional domain with no splice impact. BRCA1 and BRCA2 VCEP guidelines recommend application of BP1_Strong (PMID: 39142283)

NM_000059.4(BRCA2):c.1250C>G (p.Ser417Cys)

Gene: BRCA2 (BRCA2 DNA repair associated; plus strand). Cytogenetic location: 13q13.1.
Variant type: single nucleotide variant.
Coding change: c.1250C>G on transcript NM_000059.4 (MANE Select); coding-DNA position 1250, C replaced by G.
Protein change: p.Ser417Cys; replaces serine 417 with cysteine.
Molecular consequence: missense variant. On other transcripts: non-coding transcript variant (1), intron variant (1).
Genome position (GRCh38, 1-based): chr13:32,332,728, C>G. VCF-style: chr13-32332728-C-G. GRCh37 (hg19) VCF-style: chr13-32906865-C-G.
Other names: c.1250C>G, p.Ser417Cys (NM_001406719.1, NM_001406720.1, NM_001406721.1 and 1 more transcripts); c.424+1698C>G (NM_001406722.1); short protein forms S417C.
Identifiers: ClinVar variation 4856485 (VCV004856485.1).